The following is an entry in ClinVar:

NM_001271.4(CHD2):c.1811C>A (p.Thr604Asn)

Gene: CHD2 (chromodomain helicase DNA binding protein 2; plus strand). Cytogenetic location: 15q26.1.
Variant type: single nucleotide variant.
Coding change: c.1811C>A on transcript NM_001271.4 (MANE Select); coding-DNA position 1811, C replaced by A.
Protein change: p.Thr604Asn; replaces threonine 604 with asparagine.
Molecular consequence: missense variant.
Genome position (GRCh38, 1-based): chr15:92,956,460, C>A. VCF-style: chr15-92956460-C-A. GRCh37 (hg19) VCF-style: chr15-93499690-C-A.
Other names: short protein forms T604N.
Identifiers: ClinVar variation 2095322 (VCV002095322.5), dbSNP rs764332853, ClinGen allele CA7747890.
Genomic context (GRCh38, chr15:92,956,460, plus strand): 5'-AAAGCACTTGTGGGTTCCCTTCTGACCTGGTGGCTCGTTCTGTTTTGTTTTTACTTTAGA[C>A]TGTGCTGGGCAGTATTAACTGGGCCTTTCTGGGAGTGGATGAAGCCCATCGGTTGAAGAA-3'
Protein context (NP_001262.3, residues 594-614): TTYEILLKDK[Thr604Asn]VLGSINWAFL

ClinVar aggregate classification (germline): Uncertain significance. Review status: criteria provided, multiple submitters, no conflicts (2 of 4 stars). 2 submissions from 2 submitters: Uncertain significance (2). Last evaluated 2022-02-09.

Conditions:
Inborn genetic diseases. Identifiers: MedGen C0950123, MeSH D030342.
Developmental and epileptic encephalopathy 94 (DEE94). Also called: Epileptic encephalopathy, childhood-onset; CHD2-Related Neurodevelopmental Disorders. Identifiers: Orphanet 1942, Orphanet 2382, MedGen C3809278, MONDO:0014150, OMIM 615369.

Allele frequency attached by ClinVar (database versions not stated): ExAC 0.00001; gnomAD 0.00001; TOPMed 0.00002.
gnomAD v4.1: 2 of 1,608,278 alleles (0.00012%); highest among the groups gnomAD compares: African/African-American, 0.0027%; no homozygotes.

Submissions (2):

Labcorp Genetics (formerly Invitae), Labcorp
Classification: Uncertain significance for Developmental and epileptic encephalopathy 94. Last evaluated: 2022-02-09. Review status: criteria provided, single submitter. Criteria: Invitae Variant Classification Sherloc (09022015). Collection method: clinical testing. Allele origin: germline.
Comment: This variant is present in population databases (rs764332853, gnomAD 0.007%). In summary, the available evidence is currently insufficient to determine the role of this variant in disease. Therefore, it has been classified as a Variant of Uncertain Significance. Algorithms developed to predict the effect of missense changes on protein structure and function are either unavailable or do not agree on the potential impact of this missense change (SIFT: "Deleterious"; PolyPhen-2: "Benign"; Align-GVGD: "Class C15"). This variant has not been reported in the literature in individuals affected with CHD2-related conditions. This sequence change replaces threonine, which is neutral and polar, with asparagine, which is neutral and polar, at codon 604 of the CHD2 protein (p.Thr604Asn).

Ambry Genetics
Classification: Uncertain significance for Inborn genetic diseases. Last evaluated: 2021-03-09. Review status: criteria provided, single submitter. Criteria: Ambry Variant Classification Scheme 2023. Collection method: clinical testing. Allele origin: germline.
Comment: The c.1811C>A (p.T604N) alteration is located in exon 16 (coding exon 15) of the CHD2 gene. This alteration results from a C to A substitution at nucleotide position 1811, causing the threonine (T) at amino acid position 604 to be replaced by an asparagine (N). The p.T604N alteration is predicted to be tolerated by in silico analysis. Based on insufficient or conflicting evidence, the clinical significance of this alteration remains unclear.